The following is an entry in ClinVar:

ClinVar aggregate classification (germline): Uncertain significance (0 of 4 stars; one submission).

Conditions:
GUCY2D-related disorder. Also called: GUCY2D-related condition.

Submission:

PreventionGenetics, part of Exact Sciences
Classification: Uncertain significance for GUCY2D-related condition. Last evaluated: 2024-09-16. Review status: no assertion criteria provided. Collection method: clinical testing. Allele origin: germline.
Comment: The GUCY2D c.3004A>C variant is predicted to result in the amino acid substitution p.Thr1002Pro. To our knowledge, this variant has not been reported in the literature or in a large population database, indicating this variant is rare. This variant has been detected in the homozygous state in multiple individuals tested for Leber congenital amaurosis at PreventionGenetics. Although we suspect that this variant may be pathogenic, at this time, the clinical significance of this variant is uncertain due to the absence of conclusive functional and genetic evidence.

NM_000180.4(GUCY2D):c.3004A>C (p.Thr1002Pro)

Gene: GUCY2D (guanylate cyclase 2D, retinal; plus strand). Cytogenetic location: 17p13.1.
Variant type: single nucleotide variant.
Coding change: c.3004A>C on transcript NM_000180.4 (MANE Select); coding-DNA position 3004, A replaced by C.
Protein change: p.Thr1002Pro; replaces threonine 1002 with proline.
Molecular consequence: missense variant.
Genome position (GRCh38, 1-based): chr17:8,015,802, A>C. VCF-style: chr17-8015802-A-C. GRCh37 (hg19) VCF-style: chr17-7919120-A-C.
Other names: short protein forms T1002P.
Identifiers: ClinVar variation 2634454 (VCV002634454.2), dbSNP rs2545427332, ClinGen allele CA397955312.
Genomic context (GRCh38, chr17:8,015,802, plus strand): 5'-GGTCCATGCGTGGCAGGCGTGGTGGGCCTCACCATGCCGCGGTACTGCCTGTTTGGGGAC[A>C]CGGTCAACACCGCCTCGCGCATGGAGTCCACCGGGCTGCGTGAGTGTGACGGGGACAAGA-3'
Protein context (NP_000171.1, residues 992-1012): TMPRYCLFGD[Thr1002Pro]VNTASRMEST